The following is an entry in ClinVar:

NM_033305.3(VPS13A):c.6131A>G (p.Tyr2044Cys)

Gene: VPS13A (vacuolar protein sorting 13 homolog A; plus strand). Cytogenetic location: 9q21.2.
Variant type: single nucleotide variant.
Coding change: c.6131A>G on transcript NM_033305.3 (MANE Select); coding-DNA position 6131, A replaced by G.
Protein change: p.Tyr2044Cys; replaces tyrosine 2044 with cysteine.
Molecular consequence: missense variant.
Genome position (GRCh38, 1-based): chr9:77,337,290, A>G. VCF-style: chr9-77337290-A-G. GRCh37 (hg19) VCF-style: chr9-79952206-A-G.
Other names: c.6014A>G, p.Tyr2005Cys (NM_001018037.2); c.6131A>G, p.Tyr2044Cys (NM_001018038.3, NM_015186.4); short protein forms Y2044C, Y2005C.
Identifiers: ClinVar variation 367398 (VCV000367398.7), dbSNP rs754391863, ClinGen allele CA5092956.
Genomic context (GRCh38, chr9:77,337,290, plus strand): 5'-AACTGTATCATTTAATCTCATGCAGATCATTCATTTTTCTGAAGCCAGAAGATGAGAACT[A>G]TCAAATGTGTGAAGGAATTGACTTTGAAGAGATTATAAAAAATGATGGTGCTCTTCTAAA-3'
Protein context (NP_150648.2, residues 2034-2054): FIFLKPEDEN[Tyr2044Cys]QMCEGIDFEE

ClinVar aggregate classification (germline): Uncertain significance. Review status: criteria provided, multiple submitters, no conflicts (2 of 4 stars). 3 submissions from 3 submitters: Uncertain significance (3). Last evaluated 2021-08-14.

Conditions:
Inborn genetic diseases. Identifiers: MedGen C0950123, MeSH D030342.
VPS13A-related neurodegenerative disease. Also called: Choreoacanthocytosis; Chorea-acanthocytosis; LEVINE-CRITCHLEY SYNDROME; Choreaacanthocytosis; ACANTHOCYTOSIS WITH NEUROLOGIC DISORDER; VPS13A Disease. Identifiers: Orphanet 2388, MedGen C0393576, MONDO:0008695, OMIM 200150.

Allele frequency attached by ClinVar (database versions not stated): gnomAD exomes below 0.00001 and 0.00001; TOPMed below 0.00001; ExAC 0.00001; gnomAD 0.00001.
gnomAD v4.1: 8 of 1,612,932 alleles (0.0005%); highest among the groups gnomAD compares: Non-Finnish European, 0.00059%; no homozygotes.

Submissions (3):

Labcorp Genetics (formerly Invitae), Labcorp
Classification: Uncertain significance. Last evaluated: 2021-08-14. Review status: criteria provided, single submitter. Criteria: Invitae Variant Classification Sherloc (09022015). Collection method: clinical testing. Allele origin: germline.
Comment: This sequence change replaces tyrosine with cysteine at codon 2044 of the VPS13A protein (p.Tyr2044Cys). The tyrosine residue is moderately conserved and there is a large physicochemical difference between tyrosine and cysteine. This variant is present in population databases (rs754391863, ExAC 0.002%). This variant has not been reported in the literature in individuals affected with VPS13A-related conditions. ClinVar contains an entry for this variant (Variation ID: 367398). Algorithms developed to predict the effect of missense changes on protein structure and function are either unavailable or do not agree on the potential impact of this missense change (SIFT: "Deleterious"; PolyPhen-2: "Probably Damaging"; Align-GVGD: "Class C0"). In summary, the available evidence is currently insufficient to determine the role of this variant in disease. Therefore, it has been classified as a Variant of Uncertain Significance.

Ambry Genetics
Classification: Uncertain significance for Inborn genetic diseases. Last evaluated: 2021-08-12. Review status: criteria provided, single submitter. Criteria: Ambry Variant Classification Scheme 2023. Collection method: clinical testing. Allele origin: germline.

Illumina Laboratory Services, Illumina
Classification: Uncertain significance for VPS13A-related neurodegenerative disease. Last evaluated: 2018-01-13. Review status: criteria provided, single submitter. Criteria: ICSL Variant Classification Criteria 13 December 2019. Collection method: clinical testing. Allele origin: germline.